The following is an entry in ClinVar:

ClinVar aggregate classification (germline): Uncertain significance. Review status: criteria provided, multiple submitters, no conflicts (2 of 4 stars). 3 submissions from 3 submitters: Uncertain significance (3). Last evaluated 2025-12-31.

Conditions:
SYNE1-related disorder. Also called: SYNE1-related disease; SYNE1-related condition; SYNE1-related disorders.
Emery-Dreifuss muscular dystrophy 4, autosomal dominant (EDMD4). Also called: EMERY-DREIFUSS MUSCULAR DYSTROPHY 4 WITH VARIABLE FEATURES. Identifiers: Orphanet 261, MedGen C2751807, MONDO:0013071, OMIM 612998.
Autosomal recessive ataxia, Beauce type. Also called: ATAXIA, RECESSIVE, OF BEAUCE; Spinocerebellar ataxia, autosomal recessive 8; SYNE1-Related Autosomal Recessive Cerebellar Ataxia; SYNE1 Deficiency. Identifiers: Orphanet 88644, MedGen C1853116, MONDO:0012549, OMIM 610743.

Allele frequency attached by ClinVar (database versions not stated): ExAC 0.00001.
gnomAD v4.1: 74 of 1,603,174 alleles (0.0046%); highest among the groups gnomAD compares: Non-Finnish European, 0.0061%; no homozygotes.

Submissions (3):

PreventionGenetics, part of Exact Sciences
Classification: Uncertain significance for SYNE1-related condition. Last evaluated: 2025-12-31. Review status: criteria provided, single submitter. Criteria: ACMG Guidelines, 2015. Collection method: clinical testing. Allele origin: germline.
Comment: The SYNE1 c.7775G>C variant is predicted to result in the amino acid substitution p.Ser2592Thr. To our knowledge, this variant has not been reported in the literature. This variant is reported in 0.0018% of alleles in individuals of European (non-Finnish) descent in gnomAD. At this time, the clinical significance of this variant is uncertain due to the absence of conclusive functional and genetic evidence.

GeneDx
Classification: Uncertain significance. Last evaluated: 2023-11-12. Review status: criteria provided, single submitter. Criteria: GeneDx Variant Classification Process June 2021. Collection method: clinical testing. Allele origin: germline. Affected: yes.
Comment: Not observed at significant frequency in large population cohorts (gnomAD); In silico analysis supports that this missense variant does not alter protein structure/function; Has not been previously published as pathogenic or benign to our knowledge

Labcorp Genetics (formerly Invitae), Labcorp
Classification: Uncertain significance for Emery-Dreifuss muscular dystrophy 4, autosomal dominant; Autosomal recessive ataxia, Beauce type. Last evaluated: 2022-02-18. Review status: criteria provided, single submitter. Criteria: Invitae Variant Classification Sherloc (09022015). Collection method: clinical testing. Allele origin: germline.
Comment: This sequence change replaces serine, which is neutral and polar, with threonine, which is neutral and polar, at codon 2592 of the SYNE1 protein (p.Ser2592Thr). In summary, the available evidence is currently insufficient to determine the role of this variant in disease. Therefore, it has been classified as a Variant of Uncertain Significance. Algorithms developed to predict the effect of missense changes on protein structure and function are either unavailable or do not agree on the potential impact of this missense change (SIFT: "Tolerated"; PolyPhen-2: "Possibly Damaging"; Align-GVGD: "Class C0"). This variant has not been reported in the literature in individuals affected with SYNE1-related conditions. This variant is present in population databases (rs766967106, gnomAD 0.002%).

NM_182961.4(SYNE1):c.7754G>C (p.Ser2585Thr)

Gene: SYNE1 (spectrin repeat containing nuclear envelope protein 1; minus strand). Cytogenetic location: 6q25.2.
Variant type: single nucleotide variant.
Coding change: c.7754G>C on transcript NM_182961.4 (MANE Select); coding-DNA position 7754, G replaced by C.
Protein change: p.Ser2585Thr; replaces serine 2585 with threonine.
Molecular consequence: missense variant.
Genome position (GRCh38, 1-based): chr6:152,391,527, C>G on the plus strand (G>C on the coding strand, the complement: SYNE1 is on the minus strand). VCF-style: chr6-152391527-C-G. GRCh37 (hg19) VCF-style: chr6-152712662-C-G.
Other names: c.7775G>C, p.Ser2592Thr (NM_033071.5); short protein forms S2585T, S2592T.
Identifiers: ClinVar variation 2139943 (VCV002139943.4), dbSNP rs766967106, ClinGen allele CA4057692.
Genomic context (GRCh38, chr6:152,391,527, plus strand): 5'-TGGCTTGTGAGGAGCTGGGAACACAGGCGGCCCTCCTGCCCAGCACCGTGGCCTTCTTCA[C>G]TCAGAAGCTGCCCTCTCTGGGAAAGCTTATCAAGAGACTCTCTGAAAAAAAGGAAAAAAA-3'
Protein context (NP_892006.3, residues 2575-2595): DKLSQRGQLL[Ser2585Thr]EEGHGAGQEG